The following is an entry in ClinVar:

ClinVar aggregate classification (germline): Uncertain significance (1 of 4 stars; one submission).

Conditions:
Combined deficiency of sialidase AND beta galactosidase (GSL). Also called: CATHEPSIN A DEFICIENCY; GOLDBERG SYNDROME; NEURAMINIDASE DEFICIENCY WITH BETA-GALACTOSIDASE DEFICIENCY; NEURAMINIDASE/BETA-GALACTOSIDASE EXPRESSION; PPCA DEFICIENCY; PROTECTIVE PROTEIN/CATHEPSIN A DEFICIENCY. Identifiers: Orphanet 351, MedGen C0268233, MONDO:0009737, OMIM 256540.

gnomAD v4.1: 13 of 1,614,164 alleles (0.00081%); highest among the groups gnomAD compares: African/African-American, 0.0013%; no homozygotes.

Submission:

Labcorp Genetics (formerly Invitae), Labcorp
Classification: Uncertain significance for Combined deficiency of sialidase AND beta galactosidase. Last evaluated: 2022-02-05. Review status: criteria provided, single submitter. Criteria: Invitae Variant Classification Sherloc (09022015). Collection method: clinical testing. Allele origin: germline.
Comment: In summary, the available evidence is currently insufficient to determine the role of this variant in disease. Therefore, it has been classified as a Variant of Uncertain Significance. Algorithms developed to predict the effect of missense changes on protein structure and function are either unavailable or do not agree on the potential impact of this missense change (SIFT: "Not Available"; PolyPhen-2: "Probably Damaging"; Align-GVGD: "Not Available"). This missense change has been observed in individual(s) with clinical features of galactosialidosis (Invitae). In at least one individual the data is consistent with being in trans (on the opposite chromosome) from a pathogenic variant. This variant is not present in population databases (gnomAD no frequency). This sequence change replaces proline, which is neutral and non-polar, with leucine, which is neutral and non-polar, at codon 104 of the CTSA protein (p.Pro104Leu).

NM_000308.4(CTSA):c.257C>T (p.Pro86Leu)

Gene: CTSA (cathepsin A; plus strand). Cytogenetic location: 20q13.12.
Variant type: single nucleotide variant.
Coding change: c.257C>T on transcript NM_000308.4 (MANE Select); coding-DNA position 257, C replaced by T.
Protein change: p.Pro86Leu; replaces proline 86 with leucine.
Molecular consequence: missense variant. On other transcripts: non-coding transcript variant (1).
Genome position (GRCh38, 1-based): chr20:45,891,978, C>T. VCF-style: chr20-45891978-C-T. GRCh37 (hg19) VCF-style: chr20-44520617-C-T.
Other names: c.257C>T, p.Pro86Leu (NM_001127695.3, NM_001167594.3); short protein forms P86L.
Identifiers: ClinVar variation 1512238 (VCV001512238.8), dbSNP rs2145814296, ClinGen allele CA409248614.